The following is an entry in ClinVar:

NM_001122630.2(CDKN1C):c.772G>C (p.Gly258Arg)

Gene: CDKN1C (cyclin dependent kinase inhibitor 1C; minus strand). Cytogenetic location: 11p15.4.
Variant type: single nucleotide variant.
Coding change: c.772G>C on transcript NM_001122630.2 (MANE Select); coding-DNA position 772, G replaced by C.
Protein change: p.Gly258Arg; replaces glycine 258 with arginine.
Molecular consequence: missense variant. On other transcripts: intron variant (1).
Genome position (GRCh38, 1-based): chr11:2,884,685, C>G on the plus strand (G>C on the coding strand, the complement: CDKN1C is on the minus strand). VCF-style: chr11-2884685-C-G. GRCh37 (hg19) VCF-style: chr11-2905915-C-G.
Other names: c.805G>C, p.Gly269Arg (NM_000076.2, NM_001362474.2); c.772G>C, p.Gly258Arg (NM_001122631.2); c.255+517G>C (NM_001362475.2); short protein forms G258R, G269R.
Identifiers: ClinVar variation 952670 (VCV000952670.7), dbSNP rs1275242295, ClinGen allele CA379145543.

ClinVar aggregate classification (germline): Uncertain significance (1 of 4 stars; one submission).

Conditions:
Beckwith-Wiedemann syndrome (BWS). Also called: EMG SYNDROME; Exomphalos macroglossia gigantism syndrome. Identifiers: Orphanet 116, MedGen C0004903, MONDO:0007534, OMIM 130650.

Allele frequency attached by ClinVar (database versions not stated): TOPMed below 0.00001; gnomAD 0.00001.
gnomAD v4.1: 10 of 1,463,302 alleles (0.00068%); highest among the groups gnomAD compares: East Asian, 0.0057%; no homozygotes.

Submission:

Labcorp Genetics (formerly Invitae), Labcorp
Classification: Uncertain significance for Beckwith-Wiedemann syndrome. Last evaluated: 2025-08-07. Review status: criteria provided, single submitter. Criteria: Invitae Variant Classification Sherloc (09022015). Collection method: clinical testing. Allele origin: germline.
Comment: This sequence change replaces glycine, which is neutral and non-polar, with arginine, which is basic and polar, at codon 269 of the CDKN1C protein (p.Gly269Arg). This variant is present in population databases (no rsID available, gnomAD 0.01%). This variant has not been reported in the literature in individuals affected with CDKN1C-related conditions. ClinVar contains an entry for this variant (Variation ID: 952670). Invitae Evidence Modeling of protein sequence and biophysical properties (such as structural, functional, and spatial information, amino acid conservation, physicochemical variation, residue mobility, and thermodynamic stability) has been performed for this missense variant. However, the output from this modeling did not meet the statistical confidence thresholds required to predict the impact of this variant on CDKN1C protein function. In summary, the available evidence is currently insufficient to determine the role of this variant in disease. Therefore, it has been classified as a Variant of Uncertain Significance.